The following is an entry in ClinVar:

ClinVar aggregate classification (germline): Uncertain significance (1 of 4 stars; one submission).

Allele frequency attached by ClinVar (database versions not stated): gnomAD exomes below 0.00001; TOPMed below 0.00001; gnomAD 0.00001.
gnomAD v4.1: 3 of 1,208,825 alleles (0.00025%); highest among the groups gnomAD compares: Non-Finnish European, 0.00034%; no homozygotes.

Submission:

Labcorp Genetics (formerly Invitae), Labcorp
Classification: Uncertain significance. Last evaluated: 2025-11-20. Review status: criteria provided, single submitter. Criteria: Invitae Variant Classification Sherloc (09022015). Collection method: clinical testing. Allele origin: germline.
Comment: This sequence change replaces valine, which is neutral and non-polar, with leucine, which is neutral and non-polar, at codon 200 of the SH3KBP1 protein (p.Val200Leu). This variant is not present in population databases (gnomAD no frequency). This variant has not been reported in the literature in individuals affected with SH3KBP1-related conditions. ClinVar contains an entry for this variant (Variation ID: 1952672). An algorithm developed to predict the effect of missense changes on protein structure and function (PolyPhen-2) suggests that this variant is likely to be tolerated. In summary, the available evidence is currently insufficient to determine the role of this variant in disease. Therefore, it has been classified as a Variant of Uncertain Significance.

NM_031892.3(SH3KBP1):c.598G>T (p.Val200Leu)

Gene: SH3KBP1 (SH3 domain containing kinase binding protein 1; minus strand). Cytogenetic location: Xp22.12.
Variant type: single nucleotide variant.
Coding change: c.598G>T on transcript NM_031892.3 (MANE Select); coding-DNA position 598, G replaced by T.
Protein change: p.Val200Leu; replaces valine 200 with leucine.
Molecular consequence: missense variant.
Genome position (GRCh38, 1-based): chrX:19,683,951, C>A on the plus strand (G>T on the coding strand, the complement: SH3KBP1 is on the minus strand). VCF-style: chrX-19683951-C-A. GRCh37 (hg19) VCF-style: chrX-19702069-C-A.
Other names: c.487G>T, p.Val163Leu (NM_001024666.3); c.598G>T, p.Val200Leu (NM_001353890.2); c.673G>T, p.Val225Leu (NM_001353891.2, NM_001353892.2); c.496G>T, p.Val166Leu (NM_001353893.2, NM_001353894.2); c.553G>T, p.Val185Leu (NM_001353895.2); c.730G>T, p.Val244Leu (NM_001410756.1, NM_001410757.1); c.421G>T, p.Val141Leu (NM_001410758.1); short protein forms V166L, V225L, V244L, V141L, V163L, V185L, V200L.
Identifiers: ClinVar variation 1952672 (VCV001952672.5), dbSNP rs1304076404, ClinGen allele CA412497841.